The following is an entry in ClinVar:

NM_032043.3(BRIP1):c.362C>G (p.Thr121Ser)

Gene: BRIP1 (BRCA1 interacting DNA helicase 1; minus strand). Cytogenetic location: 17q23.2.
Variant type: single nucleotide variant.
Coding change: c.362C>G on transcript NM_032043.3 (MANE Select); coding-DNA position 362, C replaced by G.
Protein change: p.Thr121Ser; replaces threonine 121 with serine.
Molecular consequence: missense variant.
Genome position (GRCh38, 1-based): chr17:61,857,075, G>C on the plus strand (C>G on the coding strand, the complement: BRIP1 is on the minus strand). VCF-style: chr17-61857075-G-C. GRCh37 (hg19) VCF-style: chr17-59934436-G-C.
Other names: short protein forms T121S.
Identifiers: ClinVar variation 232380 (VCV000232380.22), dbSNP rs777630298, ClinGen allele CA8690958.
Genomic context (GRCh38, chr17:61,857,075, plus strand): 5'-TCTTATTACAGATATCAACTGACCCAGGCAAAATATAAATTACCTTGACAAGTTGATGAA[G>C]TGCCATTTCTTTCAGAAGGTGGTGTGCTTGGATAGTTGAAATGACGTGAAGTTCCTTGGT-3'
Protein context (NP_114432.2, residues 111-131): PSTPPSERNG[Thr121Ser]SSTCQDSPEK

ClinVar aggregate classification (germline): Conflicting classifications of pathogenicity. Review status: criteria provided, conflicting classifications (1 of 4 stars). 5 submissions from 5 submitters: Uncertain significance (4); Likely benign (1). Last evaluated 2025-12-16.

Conditions:
Hereditary cancer-predisposing syndrome. Also called: Hereditary Cancer Syndrome; Neoplastic Syndromes, Hereditary; Tumor predisposition; Hereditary neoplastic syndrome. Identifiers: Orphanet 140162, MedGen C0027672, MeSH D009386, MONDO:0015356.
Fanconi anemia complementation group J. Also called: BRIP1-Related Fanconi Anemia. Identifiers: Orphanet 84, MedGen C1836860, MONDO:0012187, OMIM 609054.
Familial cancer of breast. Also called: Hereditary breast cancer; hereditary breast carcinoma; BREAST CANCER, FAMILIAL. Identifiers: Orphanet 227535, MedGen C0346153, MONDO:0016419, OMIM 114480. Disease mechanism: loss of function.

Allele frequency attached by ClinVar (database versions not stated): ExAC 0.00001; TOPMed 0.00001; gnomAD exomes 0.00002.
gnomAD v4.1: 4 of 1,614,006 alleles (0.00025%); highest among the groups gnomAD compares: Admixed American, 0.0067%; no homozygotes.

Submissions (5):

Labcorp Genetics (formerly Invitae), Labcorp
Classification: Uncertain significance for Familial cancer of breast; Fanconi anemia complementation group J. Last evaluated: 2025-12-16. Review status: criteria provided, single submitter. Criteria: Invitae Variant Classification Sherloc (09022015). Collection method: clinical testing. Allele origin: germline.
Comment: This sequence change replaces threonine, which is neutral and polar, with serine, which is neutral and polar, at codon 121 of the BRIP1 protein (p.Thr121Ser). This variant is present in population databases (rs777630298, gnomAD 0.01%). This variant has not been reported in the literature in individuals affected with BRIP1-related conditions. ClinVar contains an entry for this variant (Variation ID: 232380). Invitae Evidence Modeling of protein sequence and biophysical properties (such as structural, functional, and spatial information, amino acid conservation, physicochemical variation, residue mobility, and thermodynamic stability) indicates that this missense variant is not expected to disrupt BRIP1 protein function with a negative predictive value of 95%. In summary, the available evidence is currently insufficient to determine the role of this variant in disease. Therefore, it has been classified as a Variant of Uncertain Significance.

Ambry Genetics
Classification: Likely benign for Hereditary cancer-predisposing syndrome. Last evaluated: 2024-03-20. Review status: criteria provided, single submitter. Criteria: Ambry Variant Classification Scheme 2023. Collection method: clinical testing. Allele origin: germline.

Color Diagnostics, LLC DBA Color Health
Classification: Uncertain significance for Hereditary cancer-predisposing syndrome. Last evaluated: 2023-12-05. Review status: criteria provided, single submitter. Criteria: ACMG Guidelines, 2015. Collection method: clinical testing. Allele origin: germline.
Comment: This missense variant replaces threonine with serine at codon 121 of the BRIP1 protein. Computational prediction suggests that this variant may not impact protein structure and function (internally defined REVEL score threshold <= 0.5, PMID: 27666373). To our knowledge, functional studies have not been reported for this variant. This variant has not been reported in individuals affected with BRIP1-related disorders in the literature. This variant has been identified in 4/251408 chromosomes in the general population by the Genome Aggregation Database (gnomAD). The available evidence is insufficient to determine the role of this variant in disease conclusively. Therefore, this variant is classified as a Variant of Uncertain Significance.

Quest Diagnostics Nichols Institute San Juan Capistrano
Classification: Uncertain significance. Last evaluated: 2022-12-23. Review status: criteria provided, single submitter. Criteria: Quest Diagnostics criteria. Collection method: clinical testing. Allele origin: unknown.
Comment: The variant has not been reported in the published literature. The frequency of this variant in the general population, 0.00012 (4/34592 chromosomes), is uninformative in assessment of its pathogenicity. Analysis of this variant using bioinformatics tools for the prediction of the effect of amino acid changes on protein structure and function yielded predictions that this variant is benign. Based on the available information, we are unable to determine the clinical significance of this variant.

Sema4
Classification: Uncertain significance for Hereditary cancer-predisposing syndrome. Last evaluated: 2021-08-12. Review status: criteria provided, single submitter. Criteria: Sema4 Curation Guidelines. Collection method: curation. Allele origin: germline.
Comment: The BRIP1 c.362C>G (p.T121S) variant has not been reported in the literature to our knowledge. It was observed in 4/34592 chromosomes of the Latino subpopulation in the large and broad cohorts of the Genome Aggregation Database (PMID: 32461654) and has been reported in ClinVar (Variation ID 232380). In silico tools suggest the impact of the variant on protein function is benign, though these predictions have not been confirmed by functional studies. The evidence is insufficient to meet ACMG/AMP criteria for classifying the variant as benign or pathogenic. Thus, the clinical significance of this variant is currently uncertain.